The following is an entry in ClinVar:

NM_006361.6(HOXB13):c.404_408delinsA (p.Gly135fs)

Gene: HOXB13 (homeobox B13; minus strand). Cytogenetic location: 17q21.32.
Variant type: Indel.
Coding change: c.404_408delinsA on transcript NM_006361.6 (MANE Select); coding-DNA positions 404 to 408, GAACC replaced by A.
Protein change: p.Gly135fs; shifts the reading frame from glycine 135.
Molecular consequence: frameshift variant.
Genome position (GRCh38, 1-based): chr17:48,728,186-48,728,190, GGTTC replaced by T on the plus strand (GAACC replaced by A on the coding strand, the reverse complement: HOXB13 is on the minus strand). VCF-style: chr17-48728186-GGTTC-T. GRCh37 (hg19) VCF-style: chr17-46805548-GGTTC-T.
Other names: short protein forms G135fs.
Identifiers: ClinVar variation 5022702 (VCV005022702.1).
Genomic context (GRCh38, chr17:48,728,186, plus strand): 5'-TCCAGGAGCACCCAGAGTCTGCACCACAGACACGTCCAGGTAACTGGCCATAGGCTGGTA[GGTTC>T]CCGGATATCCCGGATAGAAGGCAAACTCAGTGGGGCGGCTGGGGTACTCTTCCCCGGCCG-3'

ClinVar aggregate classification (germline): Uncertain significance (1 of 4 stars; one submission).

Conditions:
Hereditary cancer-predisposing syndrome. Also called: Neoplastic Syndromes, Hereditary; Tumor predisposition; Hereditary neoplastic syndrome; Hereditary Cancer Syndrome. Identifiers: Orphanet 140162, MedGen C0027672, MeSH D009386, MONDO:0015356.

Submission:

Ambry Genetics
Classification: Uncertain significance for Hereditary cancer-predisposing syndrome. Last evaluated: 2026-07-28. Review status: criteria provided, single submitter. Criteria: Ambry Variant Classification Scheme 2023. Collection method: clinical testing. Allele origin: germline.
Comment: The c.404_408delGAACCinsA variant, located in coding exon 1 of the HOXB13 gene, results from the deletion of 5 nucleotides and insertion of one nucleotide causing a translational frameshift with a predicted alternate stop codon (p.G135Dfs*143). This alteration is expected to result in loss of function by premature protein truncation or nonsense-mediated mRNA decay. However, loss of function has not been established as a mechanism of disease. Based on the available evidence, the clinical significance of this variant remains unclear.